The following is an entry in ClinVar:

NM_000136.3(FANCC):c.826A>G (p.Ile276Val)

Genes: FANCC (FA complementation group C; minus strand), AOPEP (aminopeptidase O (putative); plus strand). Cytogenetic location: 9q22.32.
Variant type: single nucleotide variant.
Coding change: c.826A>G on transcript NM_000136.3 (MANE Select); coding-DNA position 826, A replaced by G.
Protein change: p.Ile276Val; replaces isoleucine 276 with valine.
Molecular consequence: missense variant.
Genome position (GRCh38, 1-based): chr9:95,135,363, T>C on the plus strand (A>G on the coding strand, the complement: FANCC is on the minus strand). VCF-style: chr9-95135363-T-C. GRCh37 (hg19) VCF-style: chr9-97897645-T-C.
Other names: c.826A>G, p.Ile276Val (NM_001243743.2, NM_001243744.2); short protein forms I276V.
Identifiers: ClinVar variation 409662 (VCV000409662.21), dbSNP rs377085045, ClinGen allele CA5137629.

ClinVar aggregate classification (germline): Uncertain significance. Review status: criteria provided, multiple submitters, no conflicts (2 of 4 stars). 5 submissions from 5 submitters: Uncertain significance (4). 1 of the submissions does not count toward it. Last evaluated 2025-02-05.

Conditions:
Fanconi anemia (FA). Also called: Fanconi's anemia. Identifiers: Orphanet 84, MedGen C0015625, MeSH D005199, MONDO:0019391.
Hereditary cancer-predisposing syndrome. Also called: Tumor predisposition; Hereditary Cancer Syndrome; Hereditary neoplastic syndrome; Neoplastic Syndromes, Hereditary. Identifiers: Orphanet 140162, MedGen C0027672, MeSH D009386, MONDO:0015356.

Allele frequency attached by ClinVar (database versions not stated): ExAC 0.00002; gnomAD 0.00002; TOPMed 0.00002; gnomAD exomes 0.00003 and 0.00005; ESP Exome Variant Server 0.00008.
gnomAD v4.1: 78 of 1,614,024 alleles (0.0048%); highest among the groups gnomAD compares: Non-Finnish European, 0.0062%; no homozygotes.

Submissions (5):

Quest Diagnostics Nichols Institute San Juan Capistrano
Classification: Uncertain significance. Last evaluated: 2025-02-05. Review status: criteria provided, single submitter. Criteria: Quest Diagnostics criteria. Collection method: clinical testing. Allele origin: unknown.
Comment: The FANCC c.826A>G (p.Ile276Val) variant has been reported in the published literature in individuals with breast cancer as well as reportedly healthy individuals (PMID: 33471991 (2021), see also LOVD). The frequency of this variant in the general population (Genome Aggregation Database) is uninformative in the assessment of its pathogenicity. Analysis of this variant using bioinformatics tools for the prediction of the effect of amino acid changes on protein structure and function yielded predictions that this variant is benign. Based on the available information, we are unable to determine the clinical significance of this variant.

Labcorp Genetics (formerly Invitae), Labcorp
Classification: Uncertain significance for Fanconi anemia. Last evaluated: 2024-07-22. Review status: criteria provided, single submitter. Criteria: Invitae Variant Classification Sherloc (09022015). Collection method: clinical testing. Allele origin: germline.
Comment: This sequence change replaces isoleucine, which is neutral and non-polar, with valine, which is neutral and non-polar, at codon 276 of the FANCC protein (p.Ile276Val). This variant is present in population databases (rs377085045, gnomAD 0.006%). This variant has not been reported in the literature in individuals affected with FANCC-related conditions. ClinVar contains an entry for this variant (Variation ID: 409662). Advanced modeling of protein sequence and biophysical properties (such as structural, functional, and spatial information, amino acid conservation, physicochemical variation, residue mobility, and thermodynamic stability) performed at Invitae indicates that this missense variant is not expected to disrupt FANCC protein function with a negative predictive value of 80%. In summary, the available evidence is currently insufficient to determine the role of this variant in disease. Therefore, it has been classified as a Variant of Uncertain Significance.

GeneDx
Classification: Uncertain significance. Last evaluated: 2024-04-01. Review status: criteria provided, single submitter. Criteria: GeneDx Variant Classification Process June 2021. Collection method: clinical testing. Allele origin: germline. Affected: yes.
Comment: In silico analysis supports that this missense variant does not alter protein structure/function; Has not been previously published as pathogenic or benign to our knowledge; This variant is associated with the following publications: (PMID: 27997549, Gordon2000[Book])

Ambry Genetics
Classification: Uncertain significance for Hereditary cancer-predisposing syndrome. Last evaluated: 2023-01-09. Review status: criteria provided, single submitter. Criteria: Ambry Variant Classification Scheme 2023. Collection method: clinical testing. Allele origin: germline.
Comment: The p.I276V variant (also known as c.826A>G), located in coding exon 7 of the FANCC gene, results from an A to G substitution at nucleotide position 826. The isoleucine at codon 276 is replaced by valine, an amino acid with highly similar properties. This amino acid position is not well conserved in available vertebrate species. In addition, this alteration is predicted to be tolerated by in silico analysis. Since supporting evidence is limited at this time, the clinical significance of this alteration remains unclear.

Natera, Inc.
Classification: Uncertain significance for Fanconi anemia. Last evaluated: 2019-01-29. Review status: no assertion criteria provided. Collection method: clinical testing. Allele origin: germline. Not counted in ClinVar's aggregate classification.

Literature cited by the submitters: PubMed 33471991 (cited by Quest Diagnostics Nichols Institute San Juan Capistrano).